The following is an entry in ClinVar:

NM_001165963.4(SCN1A):c.4192A>T (p.Lys1398Ter)

Genes: SCN1A (sodium voltage-gated channel alpha subunit 1; minus strand), LOC102724058 (uncharacterized LOC102724058; plus strand). Cytogenetic location: 2q24.3.
Variant type: single nucleotide variant.
Coding change: c.4192A>T on transcript NM_001165963.4 (MANE Select); coding-DNA position 4192, A replaced by T.
Protein change: p.Lys1398Ter; replaces lysine 1398 with a stop codon.
Molecular consequence: nonsense. On other transcripts: non-coding transcript variant (1).
Genome position (GRCh38, 1-based): chr2:166,002,564, T>A on the plus strand (A>T on the coding strand, the complement: SCN1A is on the minus strand). VCF-style: chr2-166002564-T-A. GRCh37 (hg19) VCF-style: chr2-166859074-T-A.
Other names: c.4108A>T, p.Lys1370Ter (NM_001165964.3, NM_001353957.2, NM_001353958.2); c.4192A>T, p.Lys1398Ter (NM_001202435.3, NM_001353948.2); c.4159A>T, p.Lys1387Ter (NM_001353949.2, NM_001353950.2, NM_001353951.2 and 2 more transcripts); c.4156A>T, p.Lys1386Ter (NM_001353954.2, NM_001353955.2); c.4105A>T, p.Lys1369Ter (NM_001353960.2); c.1750A>T, p.Lys584Ter (NM_001353961.2); short protein forms K1387*, K1398*, K1370*, K1386*, K584*, K1369*.
Identifiers: ClinVar variation 432745 (VCV000432745.2), dbSNP rs1553525023, ClinGen allele CA349050105.

ClinVar aggregate classification (germline): Likely pathogenic (1 of 4 stars; one submission).

Submission:

GeneDx
Classification: Likely pathogenic. Last evaluated: 2017-06-08. Review status: criteria provided, single submitter. Criteria: GeneDx Variant Classification (06012015). Collection method: clinical testing. Allele origin: germline. Affected: yes.
Comment: A variant that is likely pathogenic has been identified in the SCN1A gene. The K1398X variant has not been published as a pathogenic variant, nor has it been reported as a benign variant to our knowledge. The K1398X nonsense variant is predicted to cause loss of normal protein function either through protein truncation or nonsensemediated mRNA decay. Additionally, the K1398X variant is not observed in large population cohorts (Lek et al., 2016; 1000 Genomes Consortium et al., 2015; Exome Variant Server). Furthermore, although this variant has not been reported previously to our knowledge, other nonsense variants in this region of the protein have been reported in the Human Gene Mutation Database in association with SCN1A-related disorders (Stenson et al., 2014). Therefore, this variant is likely pathogenic; however, the possibility that it is benign cannot be excluded.